The following is an entry in ClinVar:

NM_005585.5(SMAD6):c.641G>T (p.Arg214Leu)

Gene: SMAD6 (SMAD family member 6; plus strand). Cytogenetic location: 15q22.31.
Variant type: single nucleotide variant.
Coding change: c.641G>T on transcript NM_005585.5 (MANE Select); coding-DNA position 641, G replaced by T.
Protein change: p.Arg214Leu; replaces arginine 214 with leucine.
Molecular consequence: missense variant. On other transcripts: non-coding transcript variant (1).
Genome position (GRCh38, 1-based): chr15:66,703,899, G>T. VCF-style: chr15-66703899-G-T. GRCh37 (hg19) VCF-style: chr15-66996237-G-T.
Other names: short protein forms R214L.
Identifiers: ClinVar variation 3679370 (VCV003679370.2).

ClinVar aggregate classification (germline): Uncertain significance (1 of 4 stars; one submission).

Conditions:
Aortic valve disease 2 (AOVD2). Identifiers: MedGen C3542024, MONDO:0013902, OMIM 614823.

Submission:

Labcorp Genetics (formerly Invitae), Labcorp
Classification: Uncertain significance for Aortic valve disease 2. Last evaluated: 2024-03-21. Review status: criteria provided, single submitter. Criteria: Invitae Variant Classification Sherloc (09022015). Collection method: clinical testing. Allele origin: germline.
Comment: This sequence change replaces arginine, which is basic and polar, with leucine, which is neutral and non-polar, at codon 214 of the SMAD6 protein (p.Arg214Leu). This variant is not present in population databases (gnomAD no frequency). This variant has not been reported in the literature in individuals affected with SMAD6-related conditions. Advanced modeling of protein sequence and biophysical properties (such as structural, functional, and spatial information, amino acid conservation, physicochemical variation, residue mobility, and thermodynamic stability) performed at Invitae indicates that this missense variant is not expected to disrupt SMAD6 protein function with a negative predictive value of 80%. In summary, the available evidence is currently insufficient to determine the role of this variant in disease. Therefore, it has been classified as a Variant of Uncertain Significance.